The following is an entry in ClinVar:

NM_000173.7(GP1BA):c.1311_1349del (p.415_427SEPAPSPTTPEPT[2])

Gene: GP1BA (glycoprotein Ib platelet subunit alpha; plus strand). Cytogenetic location: 17p13.2.
Variant type: Deletion.
Coding change: c.1311_1349del on transcript NM_000173.7 (MANE Select); coding-DNA positions 1311 to 1349, 39 bases deleted.
Protein change: p.415_427SEPAPSPTTPEPT[2].
Molecular consequence: inframe deletion.
Genome position (GRCh38, 1-based): chr17:4,933,915-4,933,953, 39 bases deleted; deleting any 39 consecutive bases within chr17:4,933,877-4,933,953 gives the same sequence; the c. name uses the placement nearest the transcript's 3' end. GRCh37 (hg19): chr17:4,837,210-4,837,248.
Other names: p.Ser441_Thr453del; c.1311_1349delAGAGCCCACCTCAGAGCCCGCCCCCAGCCCGACCACCCC (NM_000173.6); c.1311_1349del39 (NM_000173.7); c.1273_1311delGAGCCCACCTCAGAGCCCGCCCCCAGCCCGACCACCCCA (NM_000173.5).
Identifiers: ClinVar variation 255466 (VCV000255466.19), dbSNP rs770991996, ClinGen allele CA8314950.

ClinVar aggregate classification (germline): Benign/Likely benign. Review status: criteria provided, multiple submitters, no conflicts (2 of 4 stars). 8 submissions from 8 submitters: Benign (4); Likely benign (2). 2 of the submissions do not count toward it. Last evaluated 2026-05-11.

Conditions:
GP1BA-related disorder. Also called: GP1BA-related condition.
CIC-rearranged sarcoma. Also called: CIC-DUX Sarcoma. Identifiers: MedGen C3899764, MONDO:0956989.

Submissions (8):

Women's Health and Genetics/Laboratory Corporation of America, LabCorp
Classification: Likely benign. Last evaluated: 2026-05-11. Review status: criteria provided, single submitter. Criteria: LabCorp Variant Classification Summary - May 2015. Collection method: clinical testing. Allele origin: germline.

Blueprint Genetics
Classification: Likely benign. Last evaluated: 2024-11-28. Review status: criteria provided, single submitter. Criteria: ACMG Guidelines, 2015. Collection method: clinical testing. Allele origin: germline.

Mayo Clinic Laboratories, Mayo Clinic
Classification: Benign. Last evaluated: 2022-09-29. Review status: criteria provided, single submitter. Criteria: ACMG Guidelines, 2015. Collection method: clinical testing. Allele origin: germline. Observed: 1,086 variant alleles.

GeneDx
Classification: Benign. Last evaluated: 2021-05-04. Review status: criteria provided, single submitter. Criteria: GeneDx Variant Classification Process June 2021. Collection method: clinical testing. Allele origin: germline. Affected: yes.

Labcorp Genetics (formerly Invitae), Labcorp
Classification: Benign. Last evaluated: 2018-09-11. Review status: criteria provided, single submitter. Criteria: Invitae Variant Classification Sherloc (09022015). Collection method: clinical testing. Allele origin: germline.

Genetic Services Laboratory, University of Chicago
Classification: Benign. Last evaluated: 2017-06-19. Review status: criteria provided, single submitter. Criteria: ACMG Guidelines, 2015. Collection method: clinical testing. Allele origin: germline. Affected: no.

PreventionGenetics, part of Exact Sciences
Classification: Benign for GP1BA-related condition. Last evaluated: 2024-01-28. Review status: no assertion criteria provided. Collection method: clinical testing. Allele origin: germline. Not counted in ClinVar's aggregate classification.
Comment: This variant is classified as benign based on ACMG/AMP sequence variant interpretation guidelines (Richards et al. 2015 PMID: 25741868, with internal and published modifications).

Children's Cancer Therapy Development Institute
No classification provided. Condition: CIC-DUX Sarcoma. Review status: no classification provided. Collection method: literature only. Allele origin: somatic. Affected: yes. Not counted in ClinVar's aggregate classification.